The following is an entry in ClinVar:

NM_001281775.3(ZMYND8):c.805A>G (p.Met269Val)

Gene: ZMYND8 (zinc finger MYND-type containing 8; minus strand). Cytogenetic location: 20q13.12.
Variant type: single nucleotide variant.
Coding change: c.805A>G on transcript NM_001281775.3 (MANE Select); coding-DNA position 805, A replaced by G.
Protein change: p.Met269Val; replaces methionine 269 with valine.
Molecular consequence: missense variant. On other transcripts: initiator codon variant (2).
Genome position (GRCh38, 1-based): chr20:47,283,648, T>C on the plus strand (A>G on the coding strand, the complement: ZMYND8 is on the minus strand). VCF-style: chr20-47283648-T-C. GRCh37 (hg19) VCF-style: chr20-45912392-T-C.
Other names: c.730A>G, p.Met244Val (NM_001281771.3, NM_001281777.3, NM_001281778.3 and 4 more transcripts); c.745A>G, p.Met249Val (NM_001281772.3, NM_001281773.3, NM_001281774.3 and 1 more transcripts); c.805A>G, p.Met269Val (NM_001281776.3, NM_001281783.3, NM_012408.6 and 1 more transcripts); c.1A>G, p.Met1Val (NM_001281779.3, NM_001281780.3); c.826A>G, p.Met276Val (NM_001363714.1); c.805A>G (NM_183047.1); short protein forms M1V, M244V, M249V, M269V, M276V.
Identifiers: ClinVar variation 1703939 (VCV001703939.6), dbSNP rs2517793181, ClinGen allele CA409278684.

ClinVar aggregate classification (germline): Uncertain significance. Review status: criteria provided, multiple submitters, no conflicts (2 of 4 stars). 2 submissions from 2 submitters: Uncertain significance (2). Last evaluated 2024-08-30.

Allele frequency attached by ClinVar (database versions not stated): gnomAD exomes below 0.00001.
gnomAD v4.1: 2 of 1,613,914 alleles (0.00012%); highest among the groups gnomAD compares: Non-Finnish European, 0.00017%; no homozygotes.

Submissions (2):

GeneDx
Classification: Uncertain significance. Last evaluated: 2024-08-30. Review status: criteria provided, single submitter. Criteria: GeneDx Variant Classification Process June 2021. Collection method: clinical testing. Allele origin: germline. Affected: yes.
Comment: Has not been previously published as pathogenic or benign to our knowledge; Not observed at significant frequency in large population cohorts (gnomAD); In silico analysis supports that this missense variant has a deleterious effect on protein structure/function

Ambry Genetics
Classification: Uncertain significance. Last evaluated: 2023-04-19. Review status: criteria provided, single submitter. Criteria: Ambry Variant Classification Scheme 2023. Collection method: clinical testing. Allele origin: germline.